The following is an entry in ClinVar:

ClinVar aggregate classification (germline): Uncertain significance (1 of 4 stars; one submission).

gnomAD v4.1: 4 of 1,614,038 alleles (0.00025%); highest among the groups gnomAD compares: Non-Finnish European, 0.00034%; no homozygotes.

Submission:

Labcorp Genetics (formerly Invitae), Labcorp
Classification: Uncertain significance. Last evaluated: 2021-06-24. Review status: criteria provided, single submitter. Criteria: Invitae Variant Classification Sherloc (09022015). Collection method: clinical testing. Allele origin: germline.
Comment: In summary, the available evidence is currently insufficient to determine the role of this variant in disease. Therefore, it has been classified as a Variant of Uncertain Significance. Algorithms developed to predict the effect of missense changes on protein structure and function are either unavailable or do not agree on the potential impact of this missense change (SIFT: "Not Available"; PolyPhen-2: "Benign"; Align-GVGD: "Not Available"). This variant has not been reported in the literature in individuals with UNC45A-related conditions. This variant is not present in population databases (ExAC no frequency). This sequence change replaces glutamic acid with lysine at codon 604 of the UNC45A protein (p.Glu604Lys). The glutamic acid residue is moderately conserved and there is a small physicochemical difference between glutamic acid and lysine.

NM_018671.5(UNC45A):c.1810G>A (p.Glu604Lys)

Gene: UNC45A (unc-45 myosin chaperone A; plus strand). Cytogenetic location: 15q26.1.
Variant type: single nucleotide variant.
Coding change: c.1810G>A on transcript NM_018671.5 (MANE Select); coding-DNA position 1810, G replaced by A.
Protein change: p.Glu604Lys; replaces glutamic acid 604 with lysine.
Molecular consequence: missense variant.
Genome position (GRCh38, 1-based): chr15:90,948,726, G>A. VCF-style: chr15-90948726-G-A. GRCh37 (hg19) VCF-style: chr15-91491956-G-A.
Other names: c.1765G>A, p.Glu589Lys (NM_001039675.2, NM_001323621.2); c.1810G>A, p.Glu604Lys (NM_001323619.1); c.1375G>A, p.Glu459Lys (NM_001323620.2); short protein forms E604K, E589K, E459K.
Identifiers: ClinVar variation 1363719 (VCV001363719.8), dbSNP rs1243467672, ClinGen allele CA393859173.